The following is an entry in ClinVar:

ClinVar aggregate classification (germline): Benign. Review status: criteria provided, single submitter (1 of 4 stars). 2 submissions from 1 submitter: Benign (1). 1 of the submissions does not count toward it. Last evaluated 2018-06-07.

Submissions (2):

GeneDx
Classification: Benign. Last evaluated: 2018-06-07. Review status: criteria provided, single submitter. Criteria: GeneDx Variant Classification Process June 2021. Collection method: clinical testing. Allele origin: germline. Affected: yes.

GeneDx
Classification: Benign. Last evaluated: 2015-03-03. Review status: flagged submission. Criteria: GeneDx Variant Classification Process June 2021. Collection method: clinical testing. Allele origin: germline. Affected: yes. Not counted in ClinVar's aggregate classification.
ClinVar note: Reason: This record appears to be redundant with a more recent record from the same submitter.
ClinVar note: Notes: SCV001864571 appears to be redundant with SCV000728580.

NM_002230.4(JUP):c.-9+19_-9+20del

Genes: JUP (junction plakoglobin; minus strand), LOC130060847 (ATAC-STARR-seq lymphoblastoid silent region 8499; plus strand). Cytogenetic location: 17q21.2.
Variant type: Microsatellite.
Coding change: c.-9+19_-9+20del on transcript NM_002230.4 (MANE Select); bases 19 to 20 of the intron after 9 bases upstream of the start codon, 2 bases deleted (GC; older notation c.-9+19_-9+20delGC).
Molecular consequence: intron variant. On other transcripts: 5 prime UTR variant (2).
Genome position (GRCh38, 1-based): chr17:41,786,568-41,786,569, GC deleted on the plus strand (GC on the coding strand, the reverse complement: JUP is on the minus strand); deleting any 2 consecutive bases within chr17:41,786,568-41,786,571 gives the same sequence; the c. name uses the placement nearest the transcript's 3' end. VCF-style (leftmost placement, unchanged base first): chr17-41786567-TGC-T. GRCh37 (hg19) VCF-style: chr17-39942819-TGC-T.
Other names: c.-14GC[1] (NM_001352773.2); c.-11GC[1] (NM_001352775.2); c.-6+19_-6+20del (NM_001352774.2); c.-9+19_-9+20del (NM_021991.4); c.-118+19_-118+20del (NM_001352776.2).
Identifiers: ClinVar variation 516121 (VCV000516121.3), dbSNP rs67537421, ClinGen allele CA500011058.